The following is an entry in ClinVar:

NM_003413.4(ZIC3):c.1010A>G (p.Lys337Arg)

Gene: ZIC3 (Zic family zinc finger 3; plus strand). Cytogenetic location: Xq26.3.
Variant type: single nucleotide variant.
Coding change: c.1010A>G on transcript NM_003413.4 (MANE Select); coding-DNA position 1010, A replaced by G.
Protein change: p.Lys337Arg; replaces lysine 337 with arginine.
Molecular consequence: missense variant.
Genome position (GRCh38, 1-based): chrX:137,567,701, A>G. VCF-style: chrX-137567701-A-G. GRCh37 (hg19) VCF-style: chrX-136649860-A-G.
Other names: c.1010A>G, p.Lys337Arg (NM_001330661.1); short protein forms K337R.
Identifiers: ClinVar variation 1299359 (VCV001299359.2), dbSNP rs1931371643, ClinGen allele CA414771210.

ClinVar aggregate classification (germline): Uncertain significance (1 of 4 stars; one submission).

Conditions:
Heterotaxy, visceral, 1, X-linked (HTX1). Also called: SITUS INVERSUS, COMPLEX CARDIAC DEFECTS, AND SPLENIC DEFECTS, X-LINKED; DEXTROCARDIA WITH OTHER CARDIAC MALFORMATIONS; Laterality, X-linked; Visceral heterotaxia. Identifiers: Orphanet 450, MedGen C1844020, MONDO:0010607, OMIM 306955.
VACTERL association, X-linked, with or without hydrocephalus (VACTERLX). Also called: VACTERL Association with Hydrocephalus, X-linked; VACTERL-H, X-LINKED; X-linked VACTERL-H syndrome; VACTERL ASSOCIATION, X-LINKED. Identifiers: Orphanet 3412, MedGen C2931228, MONDO:0010752, OMIM 314390.

Allele frequency attached by ClinVar (database versions not stated): TOPMed below 0.00001.

Submission:

Breda Genetics srl
Classification: Uncertain significance for VACTERL association, X-linked, with or without hydrocephalus. Last evaluated: 2021-03-03. Review status: criteria provided, single submitter. Criteria: ACMG Guidelines, 2015. Collection method: clinical testing. Allele origin: germline. Inheritance: X-linked recessive inheritance. Affected: yes. Observed: 1 variant allele, 1 hemizygote.
Comment: Based on allele frequency, in-silico prediction scores and a certain overlap with the clinical phenotype, we interpreted this variant at least as of uncertain significance. The lack of one or more of the following features has discouraged further investigations: lack of a possible second hit in autosomal recessive conditions, presence of healthy controls in databases for autosomal dominant conditions, presence of unmatching cardinal clinical features in the patient or in the known gene-disease association, and/or variant type outside the known gene mutational spectrum.